The following is an entry in ClinVar:

NM_001142966.3(GREB1L):c.5071C>T (p.His1691Tyr)

Gene: GREB1L (GREB1 like retinoic acid receptor coactivator; plus strand). Cytogenetic location: 18q11.2.
Variant type: single nucleotide variant.
Coding change: c.5071C>T on transcript NM_001142966.3 (MANE Select); coding-DNA position 5071, C replaced by T.
Protein change: p.His1691Tyr; replaces histidine 1691 with tyrosine.
Molecular consequence: missense variant.
Genome position (GRCh38, 1-based): chr18:21,515,586, C>T. VCF-style: chr18-21515586-C-T. GRCh37 (hg19) VCF-style: chr18-19095547-C-T.
Other names: c.5200C>T, p.His1734Tyr (NM_001410867.1); c.4744C>T, p.His1582Tyr (NM_001410868.1); short protein forms H1582Y, H1691Y, H1734Y.
Identifiers: ClinVar variation 3345959 (VCV003345959.1).

ClinVar aggregate classification (germline): Uncertain significance (0 of 4 stars; one submission).

Conditions:
GREB1L-related disorder. Also called: GREB1L-related condition.

Submission:

PreventionGenetics, part of Exact Sciences
Classification: Uncertain significance for GREB1L-related condition. Last evaluated: 2024-05-15. Review status: no assertion criteria provided. Collection method: clinical testing. Allele origin: germline.
Comment: The GREB1L c.5071C>T variant is predicted to result in the amino acid substitution p.His1691Tyr. To our knowledge, this variant has not been reported in the literature or in a large population database, indicating this variant is rare. At this time, the clinical significance of this variant is uncertain due to the absence of conclusive functional and genetic evidence.